The following is an entry in ClinVar:

NM_001042681.2(RERE):c.1340C>G (p.Ser447Cys)

Gene: RERE (arginine-glutamic acid dipeptide repeats; minus strand). Cytogenetic location: 1p36.23.
Variant type: single nucleotide variant.
Coding change: c.1340C>G on transcript NM_001042681.2 (MANE Select); coding-DNA position 1340, C replaced by G.
Protein change: p.Ser447Cys; replaces serine 447 with cysteine.
Molecular consequence: missense variant. On other transcripts: 5 prime UTR variant (1).
Genome position (GRCh38, 1-based): chr1:8,365,919, G>C on the plus strand (C>G on the coding strand, the complement: RERE is on the minus strand). VCF-style: chr1-8365919-G-C. GRCh37 (hg19) VCF-style: chr1-8425979-G-C.
Other names: c.-323C>G (NM_001042682.2); c.1340C>G, p.Ser447Cys (NM_012102.4); short protein forms S447C.
Identifiers: ClinVar variation 5008212 (VCV005008212.1).

ClinVar aggregate classification (germline): Uncertain significance (1 of 4 stars; one submission).

Submission:

GeneDx
Classification: Uncertain significance. Last evaluated: 2026-03-02. Review status: criteria provided, single submitter. Criteria: GeneDx Variant Classification Process June 2021. Collection method: clinical testing. Allele origin: germline.
Comment: Not observed at significant frequency in large population cohorts (gnomAD); In silico analysis suggests that this missense variant does not alter protein structure/function; Has not been previously published as pathogenic or benign to our knowledge